The following is an entry in ClinVar:

ClinVar aggregate classification (germline): Conflicting classifications of pathogenicity. Review status: criteria provided, conflicting classifications (1 of 4 stars). 2 submissions from 2 submitters: Uncertain significance (1); Likely benign (1). Last evaluated 2024-04-22.

Conditions:
Dilated cardiomyopathy 1O (CMD1O). Also called: CARDIOMYOPATHY, DILATED, WITH VENTRICULAR TACHYCARDIA. Identifiers: Orphanet 154, MedGen C1837839, MONDO:0012062, OMIM 608569.

Allele frequency attached by ClinVar (database versions not stated): ExAC 0.00001.

Submissions (2):

Labcorp Genetics (formerly Invitae), Labcorp
Classification: Uncertain significance for Dilated cardiomyopathy 1O. Last evaluated: 2024-04-22. Review status: criteria provided, single submitter. Criteria: Invitae Variant Classification Sherloc (09022015). Collection method: clinical testing. Allele origin: germline.
Comment: This sequence change falls in intron 21 of the ABCC9 gene. It does not directly change the encoded amino acid sequence of the ABCC9 protein. It affects a nucleotide within the consensus splice site. This variant is present in population databases (rs778656294, gnomAD 0.0009%). This variant has not been reported in the literature in individuals affected with ABCC9-related conditions. ClinVar contains an entry for this variant (Variation ID: 2192666). Variants that disrupt the consensus splice site are a relatively common cause of aberrant splicing (PMID: 17576681, 9536098). Algorithms developed to predict the effect of sequence changes on RNA splicing suggest that this variant may disrupt the consensus splice site. In summary, the available evidence is currently insufficient to determine the role of this variant in disease. Therefore, it has been classified as a Variant of Uncertain Significance.

Blueprint Genetics
Classification: Likely benign. Last evaluated: 2023-04-19. Review status: criteria provided, single submitter. Criteria: ACMG Guidelines, 2015. Collection method: clinical testing. Allele origin: germline.

Literature cited by the submitters: PubMed 17576681 (cited by Labcorp Genetics (formerly Invitae), Labcorp); PubMed 9536098 (cited by Labcorp Genetics (formerly Invitae), Labcorp).

NM_020297.4(ABCC9):c.2643+5G>A

Gene: ABCC9 (ATP binding cassette subfamily C member 9; minus strand). Cytogenetic location: 12p12.1.
Variant type: single nucleotide variant.
Coding change: c.2643+5G>A on transcript NM_020297.4 (MANE Select); 5 bases into the intron after coding-DNA position 2643, G replaced by A.
Molecular consequence: intron variant.
Genome position (GRCh38, 1-based): chr12:21,852,363, C>T on the plus strand (G>A on the coding strand, the complement: ABCC9 is on the minus strand). VCF-style: chr12-21852363-C-T. GRCh37 (hg19) VCF-style: chr12-22005297-C-T.
Other names: c.1776+5G>A (NM_001377274.1); c.2643+5G>A (NM_005691.4, NM_001377273.1).
Identifiers: ClinVar variation 2192666 (VCV002192666.5), dbSNP rs778656294, ClinGen allele CA6481323.